The following is an entry in ClinVar:

ClinVar aggregate classification (germline): Pathogenic/Likely pathogenic. Review status: criteria provided, multiple submitters, no conflicts (2 of 4 stars). 3 submissions from 3 submitters: Pathogenic (1); Likely pathogenic (2). Last evaluated 2025-04-18.

Conditions:
Galactosemia. Also called: Galactose intolerance. Identifiers: Orphanet 352, MedGen C0016952, MONDO:0018116, HP:0004919. Disease mechanism: loss of function.
Deficiency of UDPglucose-hexose-1-phosphate uridylyltransferase. Also called: Transferase Deficiency Galactosemia; GALACTOSEMIA I; GALACTOSE-1-PHOSPHATE URIDYLYLTRANSFERASE DEFICIENCY; GALT deficiency; Galactosemia, classic. Identifiers: Orphanet 352, Orphanet 79239, MedGen C0268151, MONDO:0009258, OMIM 230400.

Allele frequency attached by ClinVar (database versions not stated): gnomAD exomes below 0.00001; TOPMed below 0.00001; gnomAD 0.00001.
gnomAD v4.1: 2 of 1,613,218 alleles (0.00012%); highest among the groups gnomAD compares: Non-Finnish European, 0.00017%; no homozygotes.

Submissions (3):

Natera, Inc.
Classification: Likely pathogenic for Galactosemia. Last evaluated: 2025-04-18. Review status: criteria provided, single submitter. Criteria: Natera Variant Classification Schema (03/2026). Collection method: clinical testing. Allele origin: germline.
Comment: The c.813G>C variant in GALT is a missense variant predicted to cause substitution of glutamic acid to aspartic acid at amino acid 271. This variant is rare in the general population with a frequency below the threshold expected for the associated phenotype(s). This variant has been observed in one or more individuals affected with the associated recessive disease, as either homozygous or compound heterozygous with a second variant (PMID: 31194682, 29252199, 25592817). Computational prediction algorithms indicate this variant is likely to affect gene or protein function. Given the available evidence, this variant is classified as Likely Pathogenic.

Mayo Clinic Laboratories, Mayo Clinic
Classification: Likely pathogenic. Last evaluated: 2024-05-06. Review status: criteria provided, single submitter. Criteria: ACMG Guidelines, 2015. Collection method: clinical testing. Allele origin: germline. Observed: 1 variant allele.
Comment: PP3, PP4, PM2, PM3, PS4_moderate

Labcorp Genetics (formerly Invitae), Labcorp
Classification: Pathogenic for Deficiency of UDPglucose-hexose-1-phosphate uridylyltransferase. Last evaluated: 2023-08-04. Review status: criteria provided, single submitter. Criteria: Invitae Variant Classification Sherloc (09022015). Collection method: clinical testing. Allele origin: germline.
Comment: For these reasons, this variant has been classified as Pathogenic. This variant disrupts the p.Glu271 amino acid residue in GALT. Other variant(s) that disrupt this residue have been observed in individuals with GALT-related conditions (PMID: 34030713), which suggests that this may be a clinically significant amino acid residue. Advanced modeling of protein sequence and biophysical properties (such as structural, functional, and spatial information, amino acid conservation, physicochemical variation, residue mobility, and thermodynamic stability) performed at Invitae indicates that this missense variant is expected to disrupt GALT protein function. ClinVar contains an entry for this variant (Variation ID: 2136758). This missense change has been observed in individual(s) with clinical features of galactosemia (PMID: 25592817, 29252199). This variant is not present in population databases (gnomAD no frequency). This sequence change replaces glutamic acid, which is acidic and polar, with aspartic acid, which is acidic and polar, at codon 271 of the GALT protein (p.Glu271Asp).

Literature cited by the submitters: PubMed 31194682 (cited by Natera, Inc.); PubMed 29252199 (cited by 3 submitters); PubMed 25592817 (cited by 3 submitters); PubMed 38139222 (cited by Mayo Clinic Laboratories, Mayo Clinic); PubMed 34030713 (cited by Labcorp Genetics (formerly Invitae), Labcorp).

NM_000155.4(GALT):c.813G>C (p.Glu271Asp)

Gene: GALT (galactose-1-phosphate uridylyltransferase; plus strand). Cytogenetic location: 9p13.3.
Variant type: single nucleotide variant.
Coding change: c.813G>C on transcript NM_000155.4 (MANE Select); coding-DNA position 813, G replaced by C.
Protein change: p.Glu271Asp; replaces glutamic acid 271 with aspartic acid.
Molecular consequence: missense variant.
Genome position (GRCh38, 1-based): chr9:34,648,887, G>C. VCF-style: chr9-34648887-G-C. GRCh37 (hg19) VCF-style: chr9-34648884-G-C.
Other names: p.Glu271Asp; c.486G>C, p.Glu162Asp (NM_001258332.2); c.813G>C (NM_000155.3); short protein forms E162D, E271D.
Identifiers: ClinVar variation 2136758 (VCV002136758.6), dbSNP rs1262475195, ClinGen allele CA373284036.